The following is an entry in ClinVar:

ClinVar aggregate classification (germline): Pathogenic (1 of 4 stars; one submission).

Conditions:
Mucopolysaccharidosis, MPS-II (MPS2). Also called: Hunter Syndrome; IDURONATE 2-SULFATASE DEFICIENCY; Mucopolysaccharidosis Type II; Mucopolysaccharidosis type 2; Attenuated MPS (subtype; formerly known as mild MPS II); Severe MPS II. Identifiers: Orphanet 580, Orphanet 79388, MedGen C0026705, MONDO:0010674, OMIM 309900.

Submission:

Laboratory of Diagnosis and Therapy of Lysosomal Disorders, University of Padova
Classification: Pathogenic for Mucopolysaccharidosis, MPS-II. Last evaluated: 2024-06-07. Review status: criteria provided, single submitter. Criteria: ACMG Guidelines, 2015. Collection method: literature only. Allele origin: germline. Affected: yes. Observed: 1 variant allele.
Comment: Absent from controls (or at low frequency) in gnomAD database (PM2_Moderate), Protein length changes in a nonrepeat region or stop–loss variants (PM4_Strong), Multiple lines of computational evidence support a deleterious effect (PP3_Supporting), Patient’s phenotype or family history highly specific for the disease (PP4_Strong)

Classification method: ACMG Guidelines [PMID:25741868] with modifications

Literature cited by the submitters: PubMed 9762601.

NM_000202.8(IDS):c.124ATC[1] (p.Ile43del)

Gene: IDS (iduronate 2-sulfatase; minus strand). Cytogenetic location: Xq28.
Variant type: Microsatellite.
Coding change: c.124ATC[1] on transcript NM_000202.8 (MANE Select); one copy of the 3-base unit ATC starting at c.124; the reference has two copies in a row; one copy, 3 bases deleted; also written c.127_129del.
Protein change: p.Ile43del; deletes isoleucine 43.
Molecular consequence: inframe deletion. On other transcripts: 5 prime UTR variant (1), non-coding transcript variant (1).
Genome position (GRCh38, 1-based): chrX:149,504,268-149,504,270, GAT deleted on the plus strand (ATC on the coding strand, the reverse complement: IDS is on the minus strand); deleting any 3 consecutive bases within chrX:149,504,268-149,504,275 gives the same sequence; the position shown is the placement nearest the transcript's 3' end. VCF-style (leftmost placement, unchanged base first): chrX-149504267-CGAT-C. GRCh37 (hg19) VCF-style: chrX-148585797-CGAT-C.
Other names: c.-103ATC[1] (NM_001166550.4); c.124ATC[1], p.Ile43del (NM_006123.5); c.127_129del (NM_000202.8); short protein forms I43del.
Identifiers: ClinVar variation 3255823 (VCV003255823.2).
Genomic context (GRCh38, chrX:149,504,267, plus strand): 5'-TATTTGGGGACCTCACCAGCTTATCCCCATAACAGCCCAGGGAGGGGCGCAGGTCATCCA[CGAT>C]GATGAGAAGAACGTTCAGAGCATCTACACAGGAGGGAGGGGCTTTGGTGAGGTAACCTGC-3'